The following is an entry in ClinVar:

NM_019032.6(ADAMTSL4):c.1234+117G>A

Genes: ADAMTSL4 (ADAMTS like 4; plus strand), ADAMTSL4-AS2 (ADAMTSL4 antisense RNA 2; minus strand). Cytogenetic location: 1q21.2.
Variant type: single nucleotide variant.
Coding change: c.1234+117G>A on transcript NM_019032.6 (MANE Select); 117 bases into the intron after coding-DNA position 1234, G replaced by A.
Molecular consequence: intron variant. On other transcripts: non-coding transcript variant (2), missense variant (2).
Genome position (GRCh38, 1-based): chr1:150,554,584, G>A. VCF-style: chr1-150554584-G-A. GRCh37 (hg19) VCF-style: chr1-150527060-G-A.
Other names: c.1253G>A, p.Arg418His (NM_001288607.2, NM_001288608.2); c.1234+117G>A (NM_001378596.1, NM_025008.5); short protein forms R418H.
Identifiers: ClinVar variation 3039830 (VCV003039830.2), dbSNP rs113553233, ClinGen allele CA1078186.

ClinVar aggregate classification (germline): Likely benign (0 of 4 stars; one submission).

Conditions:
ADAMTSL4-related disorder. Also called: ADAMTSL4-Related Disorders; ADAMTSL4-related condition.

Allele frequency attached by ClinVar (database versions not stated): ExAC 0.00124; 1000 Genomes Project 30x 0.00125; 1000 Genomes Project 0.00140; gnomAD 0.00148.
gnomAD v4.1: 415 of 1,553,858 alleles (0.027%); highest among the groups gnomAD compares: African/African-American, 0.47%; no homozygotes.

Submission:

PreventionGenetics, part of Exact Sciences
Classification: Likely benign for ADAMTSL4-related condition. Last evaluated: 2022-10-26. Review status: no assertion criteria provided. Collection method: clinical testing. Allele origin: germline.
Comment: This variant is classified as likely benign based on ACMG/AMP sequence variant interpretation guidelines (Richards et al. 2015 PMID: 25741868, with internal and published modifications).